The following is an entry in ClinVar:

NM_006493.4(CLN5):c.17A>G (p.Asp6Gly)

Gene: CLN5 (CLN5 lysosomal BMP synthase; plus strand). Cytogenetic location: 13q22.3.
Variant type: single nucleotide variant.
Coding change: c.17A>G on transcript NM_006493.4 (MANE Select); coding-DNA position 17, A replaced by G.
Protein change: p.Asp6Gly; replaces aspartic acid 6 with glycine.
Molecular consequence: missense variant.
Genome position (GRCh38, 1-based): chr13:76,992,115, A>G. VCF-style: chr13-76992115-A-G. GRCh37 (hg19) VCF-style: chr13-77566250-A-G.
Other names: c.17A>G, p.Asp6Gly (NM_001366624.2); short protein forms D6G.
Identifiers: ClinVar variation 1356649 (VCV001356649.6), dbSNP rs759063887, ClinGen allele CA7007102.
Genomic context (GRCh38, chr13:76,992,115, plus strand): 5'-CGTCGCAGGCCTCGAGAGGCTCCGGAAGTACTGGGTGCAGCCTGATGGCGCAGGAGGTAG[A>G]CACGGCACAGGGCGCCGAGATGCGGCGGGGCGCGGGCGCGGCTCGGGGACGCGCTTCCTG-3'
Protein context (NP_006484.2, residues 1-16): MAQEV[Asp6Gly]TAQGAEMRRG

ClinVar aggregate classification (germline): Uncertain significance (1 of 4 stars; one submission).

Conditions:
Neuronal ceroid lipofuscinosis. Also called: Neuronal Ceroid Lipofuscinoses. Identifiers: Orphanet 216, Orphanet 79263, MedGen C0027877, MONDO:0016295. Disease mechanism: loss of function.

Allele frequency attached by ClinVar (database versions not stated): gnomAD 0.00001; gnomAD exomes 0.00001 and 0.00002; ExAC 0.00005.
gnomAD v4.1: 17 of 1,611,568 alleles (0.0011%); highest among the groups gnomAD compares: Non-Finnish European, 0.0014%; no homozygotes.

Submission:

Labcorp Genetics (formerly Invitae), Labcorp
Classification: Uncertain significance for Neuronal ceroid lipofuscinosis. Last evaluated: 2026-01-21. Review status: criteria provided, single submitter. Criteria: Invitae Variant Classification Sherloc (09022015). Collection method: clinical testing. Allele origin: germline.
Comment: This sequence change replaces aspartic acid, which is acidic and polar, with glycine, which is neutral and non-polar, at codon 55 of the CLN5 protein (p.Asp55Gly). The frequency data for this variant in the population databases is considered unreliable, as metrics indicate poor data quality at this position in the gnomAD database. This variant has not been reported in the literature in individuals affected with CLN5-related conditions. ClinVar contains an entry for this variant (Variation ID: 1356649). Invitae Evidence Modeling of protein sequence and biophysical properties (such as structural, functional, and spatial information, amino acid conservation, physicochemical variation, residue mobility, and thermodynamic stability) indicates that this missense variant is not expected to disrupt CLN5 protein function with a negative predictive value of 95%. Algorithms developed to predict the effect of sequence changes on RNA splicing suggest that this variant may disrupt the consensus splice site. In summary, the available evidence is currently insufficient to determine the role of this variant in disease. Therefore, it has been classified as a Variant of Uncertain Significance.